The following is an entry in ClinVar:

NM_001130987.2(DYSF):c.3756+227C>T

Gene: DYSF (dysferlin; plus strand). Cytogenetic location: 2p13.2.
Variant type: single nucleotide variant.
Coding change: c.3756+227C>T on transcript NM_001130987.2 (MANE Select); 227 bases into the intron after coding-DNA position 3756, C replaced by T.
Molecular consequence: intron variant.
Genome position (GRCh38, 1-based): chr2:71,598,972, C>T. VCF-style: chr2-71598972-C-T. GRCh37 (hg19) VCF-style: chr2-71826102-C-T.
Other names: NC_000002.11:g.71826102C>T; c.3795+227C>T (NM_001130979.2); c.3753+227C>T (NM_001130981.2, NM_001130980.2); c.3702+227C>T (NM_001130978.2, NM_003494.4); c.3660+227C>T (NM_001130977.2, NM_001130976.2); c.3798+227C>T (NM_001130982.2); c.3756+227C>T (NM_001130985.2); c.3705+227C>T (NM_001130983.2, NM_001130455.2); and 1 more.
Identifiers: ClinVar variation 679992 (VCV000679992.2), dbSNP rs2303602, ClinGen allele CA11072055.
Genomic context (GRCh38, chr2:71,598,972, plus strand): 5'-CAGATGCCGTTCCCACAGCAGACATTGCTCATCAGTGGAAGGGAACATATCCGGAAAAGG[C>T]GCTTGGTTGTGGGTCAGGGGCTTGGGTTTTCTCTGCCTCTGCCTCGCCTGTGTGATCCCA-3'

ClinVar aggregate classification (germline): Benign (1 of 4 stars; one submission).

Allele frequency attached by ClinVar (database versions not stated): 1000 Genomes Project 0.34704; 1000 Genomes Project 30x 0.35337; TOPMed 0.38912; gnomAD 0.39036 and 0.39619.
gnomAD v4.1: 59,316 of 152,184 alleles (39%); highest among the groups gnomAD compares: African/African-American, 41%; 11,814 homozygotes.

Submissions (7):

GeneDx
Classification: Benign. Last evaluated: 2018-06-19. Review status: criteria provided, single submitter. Criteria: GeneDx Variant Classification (06012015). Collection method: clinical testing. Allele origin: germline. Affected: yes.
Comment: This variant is considered likely benign or benign based on one or more of the following criteria: it is a conservative change, it occurs at a poorly conserved position in the protein, it is predicted to be benign by multiple in silico algorithms, and/or has population frequency not consistent with disease.

Dr. Peter K. Rogan Lab, Western University
No classification provided (evidence only). Condition: Lung cancer. Review status: no classification provided. Collection method: in vitro. Allele origin: not applicable. Functional consequence: retained intron. Not counted in ClinVar's aggregate classification.

Dr. Peter K. Rogan Lab, Western University
No classification provided (evidence only). Condition: Lung cancer. Review status: no classification provided. Collection method: in vitro. Allele origin: not applicable. Functional consequence: retained intron. Not counted in ClinVar's aggregate classification.

Dr. Peter K. Rogan Lab, Western University
No classification provided (evidence only). Condition: Gastric cancer. Review status: no classification provided. Collection method: in vitro. Allele origin: not applicable. Functional consequence: retained intron. Not counted in ClinVar's aggregate classification.

Dr. Peter K. Rogan Lab, Western University
No classification provided (evidence only). Condition: Uterine carcinosarcoma. Review status: no classification provided. Collection method: in vitro. Allele origin: not applicable. Functional consequence: retained intron. Not counted in ClinVar's aggregate classification.

Dr. Peter K. Rogan Lab, Western University
No classification provided (evidence only). Condition: Malignant tumor of esophagus. Review status: no classification provided. Collection method: in vitro. Allele origin: not applicable. Functional consequence: retained intron. Not counted in ClinVar's aggregate classification.

Dr. Peter K. Rogan Lab, Western University
No classification provided (evidence only). Condition: Malignant tumor of esophagus. Review status: no classification provided. Collection method: in vitro. Allele origin: not applicable. Functional consequence: retained intron. Not counted in ClinVar's aggregate classification.